The following is an entry in ClinVar:

NM_015100.4(POGZ):c.2203C>T (p.Arg735Cys)

Gene: POGZ (pogo transposable element derived with ZNF domain; minus strand). Cytogenetic location: 1q21.3.
Variant type: single nucleotide variant.
Coding change: c.2203C>T on transcript NM_015100.4 (MANE Select); coding-DNA position 2203, C replaced by T.
Protein change: p.Arg735Cys; replaces arginine 735 with cysteine.
Molecular consequence: missense variant.
Genome position (GRCh38, 1-based): chr1:151,408,440, G>A on the plus strand (C>T on the coding strand, the complement: POGZ is on the minus strand). VCF-style: chr1-151408440-G-A. GRCh37 (hg19) VCF-style: chr1-151380916-G-A.
Other names: c.2176C>T, p.Arg726Cys (NM_001194937.2); c.2017C>T, p.Arg673Cys (NM_001194938.2); c.1918C>T, p.Arg640Cys (NM_145796.4); c.2044C>T, p.Arg682Cys (NM_207171.2); short protein forms R640C, R673C, R682C, R726C, R735C.
Identifiers: ClinVar variation 1704168 (VCV001704168.2), dbSNP rs1233807937, ClinGen allele CA341956306.

ClinVar aggregate classification (germline): Uncertain significance (1 of 4 stars; one submission).

Allele frequency attached by ClinVar (database versions not stated): gnomAD exomes below 0.00001.

Submission:

GeneDx
Classification: Uncertain significance. Last evaluated: 2022-09-02. Review status: criteria provided, single submitter. Criteria: GeneDx Variant Classification Process June 2021. Collection method: clinical testing. Allele origin: germline. Affected: yes.
Comment: In silico analysis supports that this missense variant has a deleterious effect on protein structure/function; Has not been previously published as pathogenic or benign to our knowledge